The following is an entry in ClinVar:

NM_000548.5(TSC2):c.4201C>A (p.Pro1401Thr)

Gene: TSC2 (TSC complex subunit 2; plus strand). Cytogenetic location: 16p13.3.
Variant type: single nucleotide variant.
Coding change: c.4201C>A on transcript NM_000548.5 (MANE Select); coding-DNA position 4201, C replaced by A.
Protein change: p.Pro1401Thr; replaces proline 1401 with threonine.
Molecular consequence: missense variant.
Genome position (GRCh38, 1-based): chr16:2,084,423, C>A. VCF-style: chr16-2084423-C-A. GRCh37 (hg19) VCF-style: chr16-2134424-C-A.
Other names: c.4072C>A, p.Pro1358Thr (NM_001370405.1, NM_021055.3); c.4000C>A, p.Pro1334Thr (NM_001077183.3); c.4132C>A, p.Pro1378Thr (NM_001114382.3); c.3892C>A, p.Pro1298Thr (NM_001318827.2); c.3856C>A, p.Pro1286Thr (NM_001318829.2); c.3469C>A, p.Pro1157Thr (NM_001318831.2); c.4033C>A, p.Pro1345Thr (NM_001318832.2); c.4003C>A, p.Pro1335Thr (NM_001363528.2); and 2 more; short protein forms P1378T, P1401T, P1298T, P1334T, P1345T, P1357T, P1358T, P1157T.
Identifiers: ClinVar variation 1373647 (VCV001373647.9), dbSNP rs778147657, ClinGen allele CA394299877.

ClinVar aggregate classification (germline): Uncertain significance. Review status: criteria provided, multiple submitters, no conflicts (2 of 4 stars). 2 submissions from 2 submitters: Uncertain significance (2). Last evaluated 2024-12-26.

Conditions:
Hereditary cancer-predisposing syndrome. Also called: Hereditary neoplastic syndrome; Hereditary Cancer Syndrome; Neoplastic Syndromes, Hereditary; Tumor predisposition. Identifiers: Orphanet 140162, MedGen C0027672, MeSH D009386, MONDO:0015356.
Tuberous sclerosis 2 (TSC2). Identifiers: Orphanet 805, MedGen C1860707, MONDO:0013199, OMIM 613254.

Submissions (2):

Ambry Genetics
Classification: Uncertain significance for Hereditary cancer-predisposing syndrome. Last evaluated: 2024-12-26. Review status: criteria provided, single submitter. Criteria: Ambry Variant Classification Scheme 2023. Collection method: clinical testing. Allele origin: germline.
Comment: The p.P1401T variant (also known as c.4201C>A), located in coding exon 33 of the TSC2 gene, results from a C to A substitution at nucleotide position 4201. The proline at codon 1401 is replaced by threonine, an amino acid with highly similar properties. This amino acid position is conserved. In addition, the in silico prediction for this alteration is inconclusive. Based on the available evidence, the clinical significance of this variant remains unclear.

Labcorp Genetics (formerly Invitae), Labcorp
Classification: Uncertain significance for Tuberous sclerosis 2. Last evaluated: 2024-04-29. Review status: criteria provided, single submitter. Criteria: Invitae Variant Classification Sherloc (09022015). Collection method: clinical testing. Allele origin: germline.
Comment: This sequence change replaces proline, which is neutral and non-polar, with threonine, which is neutral and polar, at codon 1401 of the TSC2 protein (p.Pro1401Thr). This variant is not present in population databases (gnomAD no frequency). This variant has not been reported in the literature in individuals affected with TSC2-related conditions. ClinVar contains an entry for this variant (Variation ID: 1373647). Advanced modeling of protein sequence and biophysical properties (such as structural, functional, and spatial information, amino acid conservation, physicochemical variation, residue mobility, and thermodynamic stability) performed at Invitae indicates that this missense variant is not expected to disrupt TSC2 protein function with a negative predictive value of 95%. In summary, the available evidence is currently insufficient to determine the role of this variant in disease. Therefore, it has been classified as a Variant of Uncertain Significance.